The following is an entry in ClinVar:

ClinVar aggregate classification (germline): Uncertain significance. Review status: criteria provided, multiple submitters, no conflicts (2 of 4 stars). 2 submissions from 2 submitters: Uncertain significance (2). Last evaluated 2026-09-11.

Conditions:
Inborn genetic diseases. Identifiers: MedGen C0950123, MeSH D030342.
Nemaline myopathy 2 (NEM2). Also called: Nemaline myopathy 2, autosomal recessive. Identifiers: MedGen C1850569, MONDO:0009725, OMIM 256030.

Allele frequency attached by ClinVar (database versions not stated): gnomAD exomes below 0.00001; TOPMed below 0.00001.
gnomAD v4.1: 1 of 1,612,960 alleles (0.000062%); highest among the groups gnomAD compares: Non-Finnish European, 0.000085%; no homozygotes.

Submissions (2):

Ambry Genetics
Classification: Uncertain significance for Inborn genetic diseases. Last evaluated: 2026-09-11. Review status: criteria provided, single submitter. Criteria: Ambry Variant Classification Scheme 2023. Collection method: clinical testing. Allele origin: germline.

Labcorp Genetics (formerly Invitae), Labcorp
Classification: Uncertain significance for Nemaline myopathy 2. Last evaluated: 2022-07-22. Review status: criteria provided, single submitter. Criteria: Invitae Variant Classification Sherloc (09022015). Collection method: clinical testing. Allele origin: germline.
Comment: This sequence change replaces aspartic acid, which is acidic and polar, with glutamic acid, which is acidic and polar, at codon 1768 of the NEB protein (p.Asp1768Glu). This variant is not present in population databases (gnomAD no frequency). This variant has not been reported in the literature in individuals affected with NEB-related conditions. Algorithms developed to predict the effect of missense changes on protein structure and function are either unavailable or do not agree on the potential impact of this missense change (SIFT: "Deleterious"; PolyPhen-2: "Not Available"; Align-GVGD: "Class C0"). In summary, the available evidence is currently insufficient to determine the role of this variant in disease. Therefore, it has been classified as a Variant of Uncertain Significance.

NM_001164508.2(NEB):c.5304T>A (p.Asp1768Glu)

Gene: NEB (nebulin; minus strand). Cytogenetic location: 2q23.3.
Variant type: single nucleotide variant.
Coding change: c.5304T>A on transcript NM_001164508.2 (MANE Select); coding-DNA position 5304, T replaced by A.
Protein change: p.Asp1768Glu; replaces aspartic acid 1768 with glutamic acid.
Molecular consequence: missense variant.
Genome position (GRCh38, 1-based): chr2:151,664,798, A>T on the plus strand (T>A on the coding strand, the complement: NEB is on the minus strand). VCF-style: chr2-151664798-A-T. GRCh37 (hg19) VCF-style: chr2-152521312-A-T.
Other names: c.5304T>A, p.Asp1768Glu (NM_001164507.2, NM_001271208.2, NM_004543.5); c.5304T>A (NM_004543.4); short protein forms D1768E.
Identifiers: ClinVar variation 2179928 (VCV002179928.2), dbSNP rs1417460673, ClinGen allele CA348811472.